The following is an entry in ClinVar:

NM_000371.4(TTR):c.179C>A (p.Thr60Asn)

Gene: TTR (transthyretin; plus strand). Cytogenetic location: 18q12.1.
Variant type: single nucleotide variant.
Coding change: c.179C>A on transcript NM_000371.4 (MANE Select); coding-DNA position 179, C replaced by A.
Protein change: p.Thr60Asn; replaces threonine 60 with asparagine.
Molecular consequence: missense variant.
Genome position (GRCh38, 1-based): chr18:31,593,005, C>A. VCF-style: chr18-31593005-C-A. GRCh37 (hg19) VCF-style: chr18-29172968-C-A.
Other names: short protein forms T60N.
Identifiers: ClinVar variation 1066429 (VCV001066429.18), dbSNP rs113625622, ClinGen allele CA402156843.
Genomic context (GRCh38, chr18:31,593,005, plus strand): 5'-TCCGAGGCAGTCCTGCCATCAATGTGGCCGTGCATGTGTTCAGAAAGGCTGCTGATGACA[C>A]CTGGGAGCCATTTGCCTCTGGGTAAGTTGCCAAAGAACCCTCCCACAGGACTTGGTTTTA-3'
Protein context (NP_000362.1, residues 50-70): VHVFRKAADD[Thr60Asn]WEPFASGKTS

ClinVar aggregate classification (germline): Pathogenic/Likely pathogenic. Review status: criteria provided, multiple submitters, no conflicts (2 of 4 stars). 3 submissions from 3 submitters: Pathogenic (1); Likely pathogenic (2). Last evaluated 2025-07-01.

Conditions:
Amyloidosis, hereditary systemic 1 (AMYLD1). Also called: Hereditary oculoleptomeningeal amyloid angiopathy; Familial Transthyretin Amyloidosis; Familial amyloid polyneuropathy; Transthyretin Amyloidosis; AMYLOID CARDIOMYOPATHY; Isolated Cardiac Amyloidosis. Identifiers: Orphanet 85447, Orphanet 85451, MedGen C2751492, MONDO:0971004, OMIM 105210.
Cardiovascular phenotype. Identifiers: MedGen CN230736.

Submissions (3):

CeGaT Center for Human Genetics Tuebingen
Classification: Likely pathogenic. Last evaluated: 2025-07-01. Review status: criteria provided, single submitter. Criteria: CeGaT Center For Human Genetics Tuebingen Variant Classification Criteria Version 2. Collection method: clinical testing. Allele origin: germline. Affected: yes. Observed: 1 variant allele.
Comment: TTR: PM1, PM2, PM5, PS4:Moderate

Labcorp Genetics (formerly Invitae), Labcorp
Classification: Pathogenic for Amyloidosis, hereditary systemic 1. Last evaluated: 2024-03-05. Review status: criteria provided, single submitter. Criteria: Invitae Variant Classification Sherloc (09022015). Collection method: clinical testing. Allele origin: germline.
Comment: This sequence change replaces threonine, which is neutral and polar, with asparagine, which is neutral and polar, at codon 60 of the TTR protein (p.Thr60Asn). This variant is not present in population databases (gnomAD no frequency). This missense change has been observed in individual(s) with hereditary transthyretin-mediated amyloidosis (hATTR amyloidosis) (PMID: 31074293). ClinVar contains an entry for this variant (Variation ID: 1066429). Advanced modeling of protein sequence and biophysical properties (such as structural, functional, and spatial information, amino acid conservation, physicochemical variation, residue mobility, and thermodynamic stability) performed at Invitae indicates that this missense variant is expected to disrupt TTR protein function with a positive predictive value of 95%. This variant disrupts the p.Thr60 amino acid residue in TTR. Other variant(s) that disrupt this residue have been observed in individuals with TTR-related conditions (PMID: 34317109), which suggests that this may be a clinically significant amino acid residue. For these reasons, this variant has been classified as Pathogenic.

Ambry Genetics
Classification: Likely pathogenic for Cardiovascular phenotype. Last evaluated: 2020-01-06. Review status: criteria provided, single submitter. Criteria: Ambry Variant Classification Scheme 2023. Collection method: clinical testing. Allele origin: germline.
Comment: The p.T60N variant (also known as c.179C>A and p.T40N), located in coding exon 2 of the TTR gene, results from a C to A substitution at nucleotide position 179. The threonine at codon 60 is replaced by asparagine, an amino acid with similar properties. This variant has been reported (as p.T40N) in several unrelated patients diagnosed with ATTR amyloidosis (Damy T et al. Eur. Heart J., 2019 Apr; pii: ehz173; Hinderhofer K et al. Amyloid, 2019 Jun;26:85-93). Functional studies utilizing sera from multiple heterozygous carriers of p.T60N suggest that this variant causes conformational instability of TTR (Hinderhofer K et al. Amyloid, 2019 Jun;26:85-93). This amino acid position is not well conserved in available vertebrate species. In addition, this alteration is predicted to be tolerated by in silico analysis. Based on the majority of available evidence to date, this variant is likely to be pathogenic.

Literature cited by the submitters: PubMed 31074293 (cited by Labcorp Genetics (formerly Invitae), Labcorp and Ambry Genetics); PubMed 34317109 (cited by Labcorp Genetics (formerly Invitae), Labcorp); PubMed 30938420 (cited by Ambry Genetics).